The following is an entry in ClinVar:

ClinVar aggregate classification (germline): Uncertain significance (1 of 4 stars; one submission).

Conditions:
Charcot-Marie-Tooth disease type 4B3. Also called: CHARCOT-MARIE-TOOTH DISEASE, DEMYELINATING, TYPE 4B3; Charcot-Marie-Tooth Neuropathy Type 4B3. Identifiers: Orphanet 363981, MedGen C3695063, MONDO:0014117, OMIM 615284.

Allele frequency attached by ClinVar (database versions not stated): gnomAD exomes below 0.00001; TOPMed below 0.00001.

Submission:

Molecular Genetics, Royal Melbourne Hospital
Classification: Uncertain significance for Charcot-Marie-Tooth disease type 4B3. Last evaluated: 2022-04-05. Review status: criteria provided, single submitter. Criteria: ACMG Guidelines, 2015. Collection method: clinical testing. Allele origin: germline.
Comment: This sequence change in SBF1 is predicted to replace arginine with tryptophan at codon 1383, p.(Arg1383Trp). The arginine residue is highly conserved (100 vertebrates, UCSC), and is located in the myotubularin phosphatase domain. There is a large physicochemical difference between arginine and tryptophan. This variant is absent from gnomAD v2.1 and v3.1. To our knowledge, this variant has not been reported in the literature in any individuals with SBF1-related disease. Multiple lines of computational evidence predict a deleterious effect for the missense substitution (5/6 algorithms). Based on the classification scheme RMH Modified ACMG Guidelines v1.4.0, this variant is classified as a VARIANT OF UNCERTAIN SIGNIFICANCE. Following criteria are met: PM2_Supporting, PP3.

NM_002972.4(SBF1):c.4147C>T (p.Arg1383Trp)

Gene: SBF1 (SET binding factor 1; minus strand). Cytogenetic location: 22q13.33.
Variant type: single nucleotide variant.
Coding change: c.4147C>T on transcript NM_002972.4 (MANE Select); coding-DNA position 4147, C replaced by T.
Protein change: p.Arg1383Trp; replaces arginine 1383 with tryptophan.
Molecular consequence: missense variant.
Genome position (GRCh38, 1-based): chr22:50,456,335, G>A on the plus strand (C>T on the coding strand, the complement: SBF1 is on the minus strand). VCF-style: chr22-50456335-G-A. GRCh37 (hg19) VCF-style: chr22-50894764-G-A.
Other names: c.4072C>T, p.Arg1358Trp (NM_001365819.1); short protein forms R1358W, R1383W.
Identifiers: ClinVar variation 1676225 (VCV001676225.2), dbSNP rs1243439376, ClinGen allele CA412199420.
Genomic context (GRCh38, chr22:50,456,335, plus strand): 5'-CAGCGGGGCAGCCTGGGACACATGCTTTCAGCAGCTTCTTGAAGCTAGCCTTCACCTGCC[G>A]TGCCTCGAATACCTCAATGGGCACCAGCTCCCACTGCTGCAGGGGGTCTGACCGCACACC-3'
Protein context (NP_002963.2, residues 1373-1393): ELVPIEVFEA[Arg1383Trp]QVKASFKKLL